The following is an entry in ClinVar:

NM_020988.3(GNAO1):c.596T>C (p.Leu199Pro)

Gene: GNAO1 (G protein subunit alpha o1; plus strand). Cytogenetic location: 16q13.
Variant type: single nucleotide variant.
Coding change: c.596T>C on transcript NM_020988.3 (MANE Select); coding-DNA position 596, T replaced by C.
Protein change: p.Leu199Pro; replaces leucine 199 with proline.
Molecular consequence: missense variant.
Genome position (GRCh38, 1-based): chr16:56,336,733, T>C. VCF-style: chr16-56336733-T-C. GRCh37 (hg19) VCF-style: chr16-56370645-T-C.
Other names: c.596T>C, p.Leu199Pro (NM_138736.3); short protein forms L199P.
Identifiers: ClinVar variation 1459091 (VCV001459091.9), dbSNP rs2143664797, ClinGen allele CA395952139.

ClinVar aggregate classification (germline): Pathogenic (1 of 4 stars; one submission).

Conditions:
Early-infantile DEE. Also called: Early infantile epileptic encephalopathy; Ohtahara syndrome; Early infantile epileptic encephalopathy with suppression bursts. Identifiers: Orphanet 1934, MedGen C0393706, MONDO:0800491.

Submission:

Labcorp Genetics (formerly Invitae), Labcorp
Classification: Pathogenic for Early-infantile DEE. Last evaluated: 2022-02-03. Review status: criteria provided, single submitter. Criteria: Invitae Variant Classification Sherloc (09022015). Collection method: clinical testing. Allele origin: germline.
Comment: For these reasons, this variant has been classified as Pathogenic. Experimental studies have shown that this missense change affects GNAO1 function (PMID: 28747448). Algorithms developed to predict the effect of missense changes on protein structure and function (SIFT, PolyPhen-2, Align-GVGD) all suggest that this variant is likely to be disruptive. This missense change has been observed in individual(s) with clinical features of developmental and epileptic encephalopathy (PMID: 27072799). In at least one individual the variant was observed to be de novo. This variant is not present in population databases (gnomAD no frequency). This sequence change replaces leucine, which is neutral and non-polar, with proline, which is neutral and non-polar, at codon 199 of the GNAO1 protein (p.Leu199Pro).

Literature cited by the submitters: PubMed 28747448; PubMed 27072799.